The following is an entry in ClinVar:

ClinVar aggregate classification (germline): Pathogenic (1 of 4 stars; one submission).

Submission:

Labcorp Genetics (formerly Invitae), Labcorp
Classification: Pathogenic. Last evaluated: 2023-05-26. Review status: criteria provided, single submitter. Criteria: Invitae Variant Classification Sherloc (09022015). Collection method: clinical testing. Allele origin: unknown.
Comment: For these reasons, this variant has been classified as Pathogenic. This variant has not been reported in the literature in individuals affected with EYS-related conditions. This variant is a gross deletion of the genomic region encompassing exon(s) 32-40 of the EYS gene. This deletion is out-of-frame, and is expected to create a premature termination codon and result in an absent or disrupted protein product. Loss-of-function variants in EYS are known to be pathogenic (PMID: 18836446, 20333770).

Literature cited by the submitters: PubMed 18836446; PubMed 20333770.

NC_000006.11:g.(?_64487879)_(64791915_?)del

Gene: EYS (eyes shut homolog; minus strand). Cytogenetic location: 6q12.
Variant type: Deletion.
Identifiers: ClinVar variation 3246120 (VCV003246120.1).